The following is an entry in ClinVar:

ClinVar aggregate classification (germline): Uncertain significance (1 of 4 stars; one submission).

Submission:

Labcorp Genetics (formerly Invitae), Labcorp
Classification: Uncertain significance. Last evaluated: 2024-02-02. Review status: criteria provided, single submitter. Criteria: Invitae Variant Classification Sherloc (09022015). Collection method: clinical testing. Allele origin: germline.
Comment: This sequence change replaces glycine, which is neutral and non-polar, with valine, which is neutral and non-polar, at codon 382 of the SOX11 protein (p.Gly382Val). This variant is not present in population databases (gnomAD no frequency). This variant has not been reported in the literature in individuals affected with SOX11-related conditions. Advanced modeling of protein sequence and biophysical properties (such as structural, functional, and spatial information, amino acid conservation, physicochemical variation, residue mobility, and thermodynamic stability) performed at Invitae indicates that this missense variant is not expected to disrupt SOX11 protein function with a negative predictive value of 80%. In summary, the available evidence is currently insufficient to determine the role of this variant in disease. Therefore, it has been classified as a Variant of Uncertain Significance.

NM_003108.4(SOX11):c.1145G>T (p.Gly382Val)

Gene: SOX11 (SRY-box transcription factor 11; plus strand). Cytogenetic location: 2p25.2.
Variant type: single nucleotide variant.
Coding change: c.1145G>T on transcript NM_003108.4 (MANE Select); coding-DNA position 1145, G replaced by T.
Protein change: p.Gly382Val; replaces glycine 382 with valine.
Molecular consequence: missense variant.
Genome position (GRCh38, 1-based): chr2:5,693,866, G>T. VCF-style: chr2-5693866-G-T. GRCh37 (hg19) VCF-style: chr2-5833998-G-T.
Other names: short protein forms G382V.
Identifiers: ClinVar variation 3638313 (VCV003638313.2).